The following is an entry in ClinVar:

ClinVar aggregate classification (germline): Uncertain significance. Review status: criteria provided, multiple submitters, no conflicts (2 of 4 stars). 2 submissions from 2 submitters: Uncertain significance (2). Last evaluated 2025-06-18.

Conditions:
Polyglucosan body myopathy type 1 (PGBM1). Also called: Polyglucosan body myopathy 1 with or without immunodeficiency; POLYGLUCOSAN BODY MYOPATHY WITHOUT IMMUNODEFICIENCY. Identifiers: Orphanet 329173, Orphanet 397937, MedGen C4014605, MONDO:0014389, OMIM 615895.
Inborn genetic diseases. Identifiers: MedGen C0950123, MeSH D030342.

Allele frequency attached by ClinVar (database versions not stated): 1000 Genomes Project 30x 0.00031; ExAC 0.00004; gnomAD 0.00007 and 0.00012; gnomAD exomes 0.00008; TOPMed 0.00011; 1000 Genomes Project 0.00020.

Submissions (2):

Ambry Genetics
Classification: Uncertain significance for Inborn genetic diseases. Last evaluated: 2025-06-18. Review status: criteria provided, single submitter. Criteria: Ambry Variant Classification Scheme 2023. Collection method: clinical testing. Allele origin: germline.

Labcorp Genetics (formerly Invitae), Labcorp
Classification: Uncertain significance for Polyglucosan body myopathy type 1. Last evaluated: 2025-01-13. Review status: criteria provided, single submitter. Criteria: Invitae Variant Classification Sherloc (09022015). Collection method: clinical testing. Allele origin: germline.
Comment: This sequence change replaces arginine, which is basic and polar, with cysteine, which is neutral and slightly polar, at codon 76 of the RBCK1 protein (p.Arg76Cys). This variant is present in population databases (rs575392530, gnomAD 0.02%). This variant has not been reported in the literature in individuals affected with RBCK1-related conditions. ClinVar contains an entry for this variant (Variation ID: 837748). Invitae Evidence Modeling of protein sequence and biophysical properties (such as structural, functional, and spatial information, amino acid conservation, physicochemical variation, residue mobility, and thermodynamic stability) indicates that this missense variant is not expected to disrupt RBCK1 protein function with a negative predictive value of 80%. In summary, the available evidence is currently insufficient to determine the role of this variant in disease. Therefore, it has been classified as a Variant of Uncertain Significance.

NM_031229.4(RBCK1):c.226C>T (p.Arg76Cys)

Gene: RBCK1 (RANBP2-type and C3HC4-type zinc finger containing 1; plus strand). Cytogenetic location: 20p13.
Variant type: single nucleotide variant.
Coding change: c.226C>T on transcript NM_031229.4 (MANE Select); coding-DNA position 226, C replaced by T.
Protein change: p.Arg76Cys; replaces arginine 76 with cysteine.
Molecular consequence: missense variant. On other transcripts: 5 prime UTR variant (2), non-coding transcript variant (1).
Genome position (GRCh38, 1-based): chr20:417,584, C>T. VCF-style: chr20-417584-C-T. GRCh37 (hg19) VCF-style: chr20-398228-C-T.
Other names: c.226C>T (NM_031229.2); c.-124C>T (NM_001323956.2, NM_001323958.2); c.100C>T, p.Arg34Cys (NM_006462.6); short protein forms R34C, R76C.
Identifiers: ClinVar variation 837748 (VCV000837748.8), dbSNP rs575392530, ClinGen allele CA9723006.